The following is an entry in ClinVar:

ClinVar aggregate classification (germline): Likely pathogenic (1 of 4 stars; one submission).

Submission:

Labcorp Genetics (formerly Invitae), Labcorp
Classification: Likely pathogenic. Last evaluated: 2022-06-16. Review status: criteria provided, single submitter. Criteria: Invitae Variant Classification Sherloc (09022015). Collection method: clinical testing. Allele origin: germline.
Comment: In summary, the currently available evidence indicates that the variant is pathogenic, but additional data are needed to prove that conclusively. Therefore, this variant has been classified as Likely Pathogenic. Algorithms developed to predict the effect of sequence changes on RNA splicing suggest that this variant may disrupt the consensus splice site. Disruption of this splice site has been observed in individual(s) with clinical features of autosomal dominant COL2A1-related conditions (PMID: 22791362). This variant is not present in population databases (gnomAD no frequency). This sequence change affects an acceptor splice site in intron 12 of the COL2A1 gene. It is expected to disrupt RNA splicing. Variants that disrupt the donor or acceptor splice site typically lead to a loss of protein function (PMID: 16199547), and loss-of-function variants in COL2A1 are known to be pathogenic (PMID: 20179744).

Literature cited by the submitters: PubMed 22791362; PubMed 16199547; PubMed 20179744.

NM_001844.5(COL2A1):c.817-1G>C

Gene: COL2A1 (collagen type II alpha 1 chain; minus strand). Cytogenetic location: 12q13.11.
Variant type: single nucleotide variant.
Coding change: c.817-1G>C on transcript NM_001844.5 (MANE Select); the canonical splice acceptor site of the intron before coding-DNA position 817, G replaced by C.
Molecular consequence: splice acceptor variant.
Genome position (GRCh38, 1-based): chr12:47,994,048, C>G on the plus strand (G>C on the coding strand, the complement: COL2A1 is on the minus strand). VCF-style: chr12-47994048-C-G. GRCh37 (hg19) VCF-style: chr12-48387831-C-G.
Other names: c.610-1G>C (NM_033150.3).
Identifiers: ClinVar variation 2137348 (VCV002137348.4), dbSNP rs2136610684, ClinGen allele CA384522383.